The following is an entry in ClinVar:

NM_001735.3(C5):c.1357C>T (p.Arg453Ter)

Gene: C5 (complement C5; minus strand). Cytogenetic location: 9q33.2.
Variant type: single nucleotide variant.
Coding change: c.1357C>T on transcript NM_001735.3 (MANE Select); coding-DNA position 1357, C replaced by T.
Protein change: p.Arg453Ter; replaces arginine 453 with a stop codon.
Molecular consequence: nonsense.
Genome position (GRCh38, 1-based): chr9:121,020,125, G>A on the plus strand (C>T on the coding strand, the complement: C5 is on the minus strand). VCF-style: chr9-121020125-G-A. GRCh37 (hg19) VCF-style: chr9-123782403-G-A.
Other names: c.1375C>T, p.Arg459Ter (NM_001317163.2); c.1357C>T, p.Arg453Ter (NM_001317164.2); short protein forms R459*, R453*.
Identifiers: ClinVar variation 5007381 (VCV005007381.2).

ClinVar aggregate classification (germline): Pathogenic (1 of 4 stars; one submission).

Conditions:
Complement component 5 deficiency. Also called: C5 DEFICIENCY. Identifiers: MedGen C0343047, MONDO:0012295, OMIM 609536.

gnomAD v4.1: 7 of 1,613,796 alleles (0.00043%); highest among the groups gnomAD compares: Admixed American, 0.0033%; no homozygotes.

Submission:

Juno Genomics, Hangzhou Juno Genomics, Inc
Classification: Pathogenic for Complement component 5 deficiency. Review status: criteria provided, single submitter. Criteria: ACMG Guidelines, 2015. Collection method: clinical testing. Allele origin: germline.
Comment: Absent from controls (or at extremely low frequency if recessive) in Genome Aggregation Database.;Null variant in a gene where loss of function (LOF) is a known mechanism of disease.;For recessive disorders, detected in trans with a pathogenic variant.